The following is an entry in ClinVar:

NM_003072.5(SMARCA4):c.928C>T (p.Arg310Cys)

Gene: SMARCA4 (SWI/SNF related BAF chromatin remodeling complex subunit ATPase 4; plus strand). Cytogenetic location: 19p13.2.
Variant type: single nucleotide variant.
Coding change: c.928C>T on transcript NM_003072.5 (MANE Select); coding-DNA position 928, C replaced by T.
Protein change: p.Arg310Cys; replaces arginine 310 with cysteine.
Molecular consequence: missense variant. On other transcripts: non-coding transcript variant (1).
Genome position (GRCh38, 1-based): chr19:10,987,734, C>T. VCF-style: chr19-10987734-C-T. GRCh37 (hg19) VCF-style: chr19-11098410-C-T.
Other names: c.928C>T, p.Arg310Cys (NM_001128844.3, NM_001128845.2, NM_001128846.2 and 5 more transcripts); short protein forms R310C.
Identifiers: ClinVar variation 486465 (VCV000486465.26), dbSNP rs1555754899, ClinGen allele CA404058476.

ClinVar aggregate classification (germline): Uncertain significance. Review status: criteria provided, multiple submitters, no conflicts (2 of 4 stars). 4 submissions from 4 submitters: Uncertain significance (4). Last evaluated 2025-05-01.

Conditions:
Intellectual disability, autosomal dominant 16 (CSS4). Also called: COFFIN-SIRIS SYNDROME 4. Identifiers: Orphanet 1465, MedGen C3553249, MONDO:0013821, OMIM 614609.
Rhabdoid tumor predisposition syndrome 2 (RTPS2). Identifiers: Orphanet 231108, Orphanet 69077, MedGen C2750074, MONDO:0013224, OMIM 613325.
Hereditary cancer-predisposing syndrome. Also called: Hereditary neoplastic syndrome; Neoplastic Syndromes, Hereditary; Hereditary Cancer Syndrome; Tumor predisposition. Identifiers: Orphanet 140162, MedGen C0027672, MeSH D009386, MONDO:0015356.

Allele frequency attached by ClinVar (database versions not stated): gnomAD exomes below 0.00001.
gnomAD v4.1: 2 of 1,606,198 alleles (0.00012%); highest among the groups gnomAD compares: Non-Finnish European, 0.00017%; no homozygotes.

Submissions (4):

CeGaT Center for Human Genetics Tuebingen
Classification: Uncertain significance. Last evaluated: 2025-05-01. Review status: criteria provided, single submitter. Criteria: CeGaT Center For Human Genetics Tuebingen Variant Classification Criteria Version 2. Collection method: clinical testing. Allele origin: germline. Affected: yes. Observed: 1 variant allele.
Comment: SMARCA4: PM2, PP3

Labcorp Genetics (formerly Invitae), Labcorp
Classification: Uncertain significance for Rhabdoid tumor predisposition syndrome 2. Last evaluated: 2024-11-05. Review status: criteria provided, single submitter. Criteria: Invitae Variant Classification Sherloc (09022015). Collection method: clinical testing. Allele origin: germline.
Comment: This sequence change replaces arginine, which is basic and polar, with cysteine, which is neutral and slightly polar, at codon 310 of the SMARCA4 protein (p.Arg310Cys). This variant is not present in population databases (gnomAD no frequency). This variant has not been reported in the literature in individuals affected with SMARCA4-related conditions. ClinVar contains an entry for this variant (Variation ID: 486465). Invitae Evidence Modeling of protein sequence and biophysical properties (such as structural, functional, and spatial information, amino acid conservation, physicochemical variation, residue mobility, and thermodynamic stability) indicates that this missense variant is not expected to disrupt SMARCA4 protein function with a negative predictive value of 95%. In summary, the available evidence is currently insufficient to determine the role of this variant in disease. Therefore, it has been classified as a Variant of Uncertain Significance.

Ambry Genetics
Classification: Uncertain significance for Hereditary cancer-predisposing syndrome. Last evaluated: 2023-08-01. Review status: criteria provided, single submitter. Criteria: Ambry Variant Classification Scheme 2023. Collection method: clinical testing. Allele origin: germline.
Comment: The p.R310C variant (also known as c.928C>T), located in coding exon 5 of the SMARCA4 gene, results from a C to T substitution at nucleotide position 928. The arginine at codon 310 is replaced by cysteine, an amino acid with highly dissimilar properties. This amino acid position is highly conserved in available vertebrate species. In addition, the in silico prediction for this alteration is inconclusive. Missense and in-frame variants in SMARCA4 are known to cause neurodevelopmental disorders; however, such associations with rhabdoid tumor predisposition syndrome including small cell carcinoma of the ovary-hypercalcemic type (SCCOHT) are exceedingly rare (Kosho T et al. Am J Med Genet C Semin Med Genet. 2014 Sep;166C(3):262-75; Jelinic P et al. Nat Genet. 2014 May;46(5):424-6). Since supporting evidence is limited at this time, the clinical significance of this alteration remains unclear.

Genome-Nilou Lab
Classification: Uncertain significance for Intellectual disability, autosomal dominant 16. Last evaluated: 2021-07-15. Review status: criteria provided, single submitter. Criteria: ACMG Guidelines, 2015. Collection method: clinical testing. Allele origin: germline. Affected: no.